The following is an entry in ClinVar:

NM_000487.6(ARSA):c.418dup (p.His140fs)

Gene: ARSA (arylsulfatase A; minus strand). Cytogenetic location: 22q13.33.
Variant type: Duplication.
Coding change: c.418dup on transcript NM_000487.6 (MANE Select); coding-DNA position 418, one base duplicated (C; older notation c.418dupC).
Protein change: p.His140fs; shifts the reading frame from histidine 140.
Molecular consequence: frameshift variant.
Genome position (GRCh38, 1-based): chr22:50,627,213, G duplicated on the plus strand (C on the coding strand, the reverse complement: ARSA is on the minus strand); the first of 7 consecutive G bases (chr22:50,627,213-50,627,219); duplicating any one gives the same sequence. VCF-style (leftmost placement, unchanged base first): chr22-50627212-T-TG. GRCh37 (hg19) VCF-style: chr22-51065640-T-TG.
Other names: NP_000478.3:p.(His140ProfsTer36); c.418dup (NM_000487.5); c.418dupC (NM_000487.6); c.418dup, p.His140fs (NM_001085425.3, NM_001085426.3, NM_001085427.3); c.160dup, p.His54fs (NM_001085428.3, NM_001362782.2); short protein forms H140fs, H54fs.
Identifiers: ClinVar variation 370305 (VCV000370305.24), dbSNP rs745884435, ClinGen allele CA10325035.
Genomic context (GRCh38, chr22:50,627,212, plus strand): 5'-CGGGTGGTTCCTACCTGGTCGTGGGAGTACGGGATGCCTAGAAATCGATGGAAGCCCTGA[T>TG]GGGGGGGCAGGAAGGCCCCCTCAGGCCCCACCCCAAGGTGCCACTTGCCGGCCATTCCTG-3'

ClinVar aggregate classification (germline): Pathogenic. Review status: criteria provided, multiple submitters, no conflicts (2 of 4 stars). 11 submissions from 11 submitters: Pathogenic (10). 1 of the submissions does not count toward it. Last evaluated 2026-09-17.

Conditions:
Metachromatic leukodystrophy (MLD). Also called: ARSA DEFICIENCY; CEREBROSIDE SULFATASE DEFICIENCY; METACHROMATIC LEUKOENCEPHALOPATHY; Cerebral sclerosis diffuse metachromatic form; SULFATIDE LIPIDOSIS; Arylsulfatase A Deficiency. Identifiers: Orphanet 512, MedGen C0023522, MONDO:0018868, OMIM 250100.
ARSA-related disorder. Also called: ARSA-related condition.
Inborn genetic diseases. Identifiers: MedGen C0950123, MeSH D030342.

Submissions (11):

Laboratory of Experimental Gene Therapy of Hereditary Metabolic Diseases, Research Centre for Medical Genetics
Classification: Pathogenic for Metachromatic leukodystrophy. Last evaluated: 2026-09-17. Review status: criteria provided, single submitter. Criteria: ARSA MLD Assertion Criteria V2 2026 09 18. Collection method: clinical testing. Allele origin: germline. Inheritance: Autosomal recessive inheritance. Observed: 10 variant alleles, 2 heterozygotes, 8 compound heterozygotes.
Comment: The previously reported Pathogenic classification was reviewed and retained for the accompanying study. External ClinVar record reviewed: VCV000370305.22. Observations from the present referral series were not used to establish pathogenicity.

PreventionGenetics, part of Exact Sciences
Classification: Pathogenic for ARSA-related condition. Last evaluated: 2026-03-03. Review status: criteria provided, single submitter. Criteria: ACMG Guidelines, 2015. Collection method: clinical testing. Allele origin: germline.
Comment: The ARSA c.418dupC variant is predicted to result in a frameshift and premature protein termination (p.His140Profs*36). In the literature, this variant is also referred to as c.418_419insC or g.1190-1191insC. This variant has been reported in individuals affected with metachromatic leukodystrophy (Marcao et al. 1999. PubMed ID: 10220151; Supplementary Table 1, Beerepoot et al. 2020. PubMed ID: 32632536; Fumagalli et al. 2021. PubMed ID: 33855715). This variant has also been reported in a study of individuals with Parkinson’s disease (Supplemental Table 4, Senkevich et al. 2023. PubMed ID: 37381728). This variant is reported in 0.043% of alleles in individuals of African descent in gnomAD. Frameshift variants in ARSA are expected to be pathogenic. This variant is interpreted as pathogenic.

Natera, Inc.
Classification: Pathogenic for Metachromatic leukodystrophy. Last evaluated: 2026-01-30. Review status: criteria provided, single submitter. Criteria: Natera Variant Classification Schema (03/2026). Collection method: clinical testing. Allele origin: germline.
Comment: The c.418dupC variant in ARSA is a frameshift variant predicted to shift the reading frame beginning at codon 140 and leads to a stop codon 36 codons downstream. This variant is expected to result in nonsense mediated decay, truncation, or a dysfunctional protein product. This variant is rare in the general population with a frequency below the threshold expected for the associated phenotype(s). This variant has been observed in one or more individuals affected with the associated recessive disease, as either homozygous or compound heterozygous with a second variant (PMID: 32632536). Given the available evidence, this variant is classified as Pathogenic.

Labcorp Genetics (formerly Invitae), Labcorp
Classification: Pathogenic for Metachromatic leukodystrophy. Last evaluated: 2026-01-26. Review status: criteria provided, single submitter. Criteria: Invitae Variant Classification Sherloc (09022015). Collection method: clinical testing. Allele origin: germline.
Comment: This sequence change creates a premature translational stop signal (p.His140Profs*36) in the ARSA gene. It is expected to result in an absent or disrupted protein product. Loss-of-function variants in ARSA are known to be pathogenic (PMID: 8962139, 10477432). The frequency data for this variant in the population databases is considered unreliable, as metrics indicate poor data quality at this position in the gnomAD database. This premature translational stop signal has been observed in individual(s) with metachromatic leukodystrophy (PMID: 10220151). ClinVar contains an entry for this variant (Variation ID: 370305). Algorithms developed to predict the effect of sequence changes on RNA splicing suggest that this variant may disrupt the consensus splice site. For these reasons, this variant has been classified as Pathogenic.

Variantyx, Inc.
Classification: Pathogenic for Metachromatic leukodystrophy. Last evaluated: 2025-05-07. Review status: criteria provided, single submitter. Criteria: Variantyx Assertion Criteria 2022. Collection method: clinical testing. Allele origin: germline. Inheritance: Autosomal recessive inheritance. Affected: no.
Comment: This is a frameshift variant in the ARSA gene (OMIM: 607574). Pathogenic variants in this gene have been associated with autosomal recessive metachromatic leukodystrophy. This variant introduces a premature termination codon in exon 2 out of 8 and is expected to result in loss of function, which is a known disease mechanism for ARSA in this disorder (PMID: 8962139, 10477432) (PVS1). It has been identified in the homozygous or compound heterozygous state in at least 3 individuals reported in the published literature (PMID: 10220151, 25965562) (PM3), and it has a 0.0334% maximum allele frequency in non-founder control populations (PM2). Based on the current evidence, this variant is classified as pathogenic for autosomal recessive metachromatic leukodystrophy.

Fulgent Genetics
Classification: Pathogenic for Metachromatic leukodystrophy. Last evaluated: 2024-06-10. Review status: criteria provided, single submitter. Criteria: ACMG Guidelines, 2015. Collection method: clinical testing. Allele origin: germline.

GeneDx
Classification: Pathogenic. Last evaluated: 2023-11-06. Review status: criteria provided, single submitter. Criteria: GeneDx Variant Classification Process June 2021. Collection method: clinical testing. Allele origin: germline. Affected: yes.
Comment: Frameshift variant predicted to result in protein truncation or nonsense mediated decay in a gene for which loss-of-function is a known mechanism of disease; Also known as c.561_562insC, g.1190-1191insC, or c.418_419insC; This variant is associated with the following publications: (PMID: 20339381, 10460327, 32632536, 10220151, 12809638, 33855715)

Genetic Services Laboratory, University of Chicago
Classification: Pathogenic. Last evaluated: 2023-05-16. Review status: criteria provided, single submitter. Criteria: ACMG Guidelines, 2015. Collection method: clinical testing. Allele origin: germline. Affected: yes.
Comment: DNA sequence analysis of the ARSA gene demonstrated a single base pair duplication in exon 2, c.418dup. This sequence change results in an amino acid frameshift and creates a premature stop codon 35 amino acids downstream of the change, p.His140Profs*36. This sequence change is predicted to result in an abnormal transcript, which may be degraded, or may lead to the production of a truncated ARSA protein with potentially abnormal function. This sequence change has been described in the gnomAD database with a frequency of 0.01% in the overall population (dbSNP rs745884435). This pathogenic sequence change has previously been described in several individuals with metachromatic leukodystrophy (PMID: 32632536, 33855715, 31664448). This sequence change has been identified in trans with a known pathogenic variant in one of these affected individuals (PMID: 33855715). These collective evidences indicate that this sequence change is pathogenic.

Women's Health and Genetics/Laboratory Corporation of America, LabCorp
Classification: Pathogenic for Metachromatic leukodystrophy. Last evaluated: 2020-12-22. Review status: criteria provided, single submitter. Criteria: LabCorp Variant Classification Summary - May 2015. Collection method: clinical testing. Allele origin: germline.
Comment: Variant summary: ARSA c.418dupC (p.His140ProfsX36) results in a premature termination codon, predicted to cause a truncation of the encoded protein or absence of the protein due to nonsense mediated decay, which are commonly known mechanisms for disease. Truncations downstream of this position have been classified as pathogenic by our laboratory. The variant allele was found at a frequency of 8.4e-05 in 239254 control chromosomes (gnomAD). This frequency is not higher than expected for a pathogenic variant in ARSA causing Metachromatic Leukodystrophy (8.4e-05 vs 0.0028), allowing no conclusion about variant significance. c.418dupC has been reported in the literature in multiple individuals affected with Metachromatic Leukodystrophy (e.g. Marcao_1999, Eng_2003, Virgens_2015). These data indicate that the variant is very likely to be associated with disease. Three ClinVar submitters (evaluation after 2014) cite the variant as pathogenic/likely pathogenic. Based on the evidence outlined above, the variant was classified as pathogenic.

Ambry Genetics
Classification: Pathogenic for Inborn genetic diseases. Last evaluated: 2018-02-02. Review status: criteria provided, single submitter. Criteria: Ambry exome assertion method (8-5-2015). Collection method: clinical testing. Allele origin: germline. Affected: yes. Observed: 1 variant allele.

Counsyl
Classification: Likely pathogenic for Metachromatic leukodystrophy. Last evaluated: 2016-09-09. Review status: no assertion criteria provided. Collection method: clinical testing. Allele origin: unknown. Not counted in ClinVar's aggregate classification.

Literature cited by the submitters: PubMed 32632536 (cited by Natera, Inc.); PubMed 8962139 (cited by Labcorp Genetics (formerly Invitae), Labcorp and Variantyx, Inc.); PubMed 10477432 (cited by Labcorp Genetics (formerly Invitae), Labcorp and Variantyx, Inc.); PubMed 10220151 (cited by 5 submitters); PubMed 25965562 (cited by Variantyx, Inc. and Women's Health and Genetics/Laboratory Corporation of America, LabCorp); PubMed 14517960 (cited by Women's Health and Genetics/Laboratory Corporation of America, LabCorp); PubMed 20339381 (cited by Ambry Genetics).